The following is an entry in ClinVar:

ClinVar aggregate classification (germline): Uncertain significance. Review status: criteria provided, multiple submitters, no conflicts (2 of 4 stars). 2 submissions from 2 submitters: Uncertain significance (2). Last evaluated 2026-09-10.

Conditions:
Inborn genetic diseases. Identifiers: MedGen C0950123, MeSH D030342.
Holoprosencephaly 5 (HPE5). Identifiers: Orphanet 2162, MedGen C1864827, MONDO:0012322, OMIM 609637.

Submissions (2):

Ambry Genetics
Classification: Uncertain significance for Inborn genetic diseases. Last evaluated: 2026-09-10. Review status: criteria provided, single submitter. Criteria: Ambry Variant Classification Scheme 2023. Collection method: clinical testing. Allele origin: germline.

Labcorp Genetics (formerly Invitae), Labcorp
Classification: Uncertain significance for Holoprosencephaly 5. Last evaluated: 2025-07-02. Review status: criteria provided, single submitter. Criteria: Invitae Variant Classification Sherloc (09022015). Collection method: clinical testing. Allele origin: germline.
Comment: This sequence change replaces methionine, which is neutral and non-polar, with valine, which is neutral and non-polar, at codon 223 of the ZIC2 protein (p.Met223Val). This variant is not present in population databases (gnomAD no frequency). This variant has not been reported in the literature in individuals affected with ZIC2-related conditions. Invitae Evidence Modeling of protein sequence and biophysical properties (such as structural, functional, and spatial information, amino acid conservation, physicochemical variation, residue mobility, and thermodynamic stability) indicates that this missense variant is not expected to disrupt ZIC2 protein function with a negative predictive value of 80%. In summary, the available evidence is currently insufficient to determine the role of this variant in disease. Therefore, it has been classified as a Variant of Uncertain Significance.

NM_007129.5(ZIC2):c.667A>G (p.Met223Val)

Gene: ZIC2 (Zic family zinc finger 2; plus strand). Cytogenetic location: 13q32.3.
Variant type: single nucleotide variant.
Coding change: c.667A>G on transcript NM_007129.5 (MANE Select); coding-DNA position 667, A replaced by G.
Protein change: p.Met223Val; replaces methionine 223 with valine.
Molecular consequence: missense variant.
Genome position (GRCh38, 1-based): chr13:99,982,731, A>G. VCF-style: chr13-99982731-A-G. GRCh37 (hg19) VCF-style: chr13-100634985-A-G.
Other names: c.667A>G (NM_007129.3); short protein forms M223V.
Identifiers: ClinVar variation 4769964 (VCV004769964.2).